The following is an entry in ClinVar:

ClinVar aggregate classification (germline): Uncertain significance. Review status: criteria provided, multiple submitters, no conflicts (2 of 4 stars). 3 submissions from 3 submitters: Uncertain significance (3). Last evaluated 2024-05-07.

Conditions:
DICER1-related tumor predisposition. Also called: DICER1-related pleuropulmonary blastoma cancer predisposition syndrome; DICER1 syndrome. Identifiers: Orphanet 284343, MedGen C3839822, MONDO:0100216.
Hereditary cancer-predisposing syndrome. Also called: Neoplastic Syndromes, Hereditary; Hereditary Cancer Syndrome; Hereditary neoplastic syndrome; Tumor predisposition. Identifiers: Orphanet 140162, MedGen C0027672, MeSH D009386, MONDO:0015356.

Allele frequency attached by ClinVar (database versions not stated): gnomAD exomes below 0.00001; ExAC 0.00001.
gnomAD v4.1: 2 of 1,614,224 alleles (0.00012%); highest among the groups gnomAD compares: East Asian, 0.0022%; no homozygotes.

Submissions (3):

Labcorp Genetics (formerly Invitae), Labcorp
Classification: Uncertain significance for DICER1-related tumor predisposition. Last evaluated: 2024-05-07. Review status: criteria provided, single submitter. Criteria: Invitae Variant Classification Sherloc (09022015). Collection method: clinical testing. Allele origin: germline.
Comment: This sequence change replaces glutamic acid, which is acidic and polar, with aspartic acid, which is acidic and polar, at codon 1533 of the DICER1 protein (p.Glu1533Asp). This variant is present in population databases (rs777054659, gnomAD 0.003%). This variant has not been reported in the literature in individuals affected with DICER1-related conditions. ClinVar contains an entry for this variant (Variation ID: 825028). An algorithm developed to predict the effect of missense changes on protein structure and function (PolyPhen-2) suggests that this variant is likely to be disruptive. In summary, the available evidence is currently insufficient to determine the role of this variant in disease. Therefore, it has been classified as a Variant of Uncertain Significance.

Sema4
Classification: Uncertain significance for Hereditary cancer-predisposing syndrome. Last evaluated: 2021-09-13. Review status: criteria provided, single submitter. Criteria: Sema4 Curation Guidelines. Collection method: curation. Allele origin: germline.
Comment: The DICER1 c.4599A>C (p.E1533D) variant has not been reported in literature to our knowledge. This variant was observed in 1/30616 chromosomes in the South Asian population according to the Genome Aggregation Database (PMID: 32461654). This variant has been reported in ClinVar (Variation ID 825028). Functional studies have not been performed, and in silico predictions of the variant's effect on protein function are inconclusive. The overall evidence is insufficient to meet ACMG/AMP criteria for classifying it as benign or pathogenic. In summary, the clinical significance of this variant is currently uncertain.

Ambry Genetics
Classification: Uncertain significance for Hereditary cancer-predisposing syndrome. Last evaluated: 2018-12-24. Review status: criteria provided, single submitter. Criteria: Ambry Variant Classification Scheme 2023. Collection method: clinical testing. Allele origin: germline.
Comment: The p.E1533D variant (also known as c.4599A>C), located in coding exon 22 of the DICER1 gene, results from an A to C substitution at nucleotide position 4599. The glutamic acid at codon 1533 is replaced by aspartic acid, an amino acid with highly similar properties. This amino acid position is highly conserved in available vertebrate species. In addition, the in silico prediction for this alteration is inconclusive. Since supporting evidence is limited at this time, the clinical significance of this alteration remains unclear.

NM_177438.3(DICER1):c.4599A>C (p.Glu1533Asp)

Gene: DICER1 (dicer 1, ribonuclease III; minus strand). Cytogenetic location: 14q32.13.
Variant type: single nucleotide variant.
Coding change: c.4599A>C on transcript NM_177438.3 (MANE Select); coding-DNA position 4599, A replaced by C.
Protein change: p.Glu1533Asp; replaces glutamic acid 1533 with aspartic acid.
Molecular consequence: missense variant.
Genome position (GRCh38, 1-based): chr14:95,096,321, T>G on the plus strand (A>C on the coding strand, the complement: DICER1 is on the minus strand). VCF-style: chr14-95096321-T-G. GRCh37 (hg19) VCF-style: chr14-95562658-T-G.
Other names: c.4599A>C, p.Glu1533Asp (NM_001195573.1, NM_001271282.3, NM_001291628.2 and 1 more transcripts); short protein forms E1533D.
Identifiers: ClinVar variation 825028 (VCV000825028.8), dbSNP rs777054659, ClinGen allele CA7330829.